The following is an entry in ClinVar:

ClinVar aggregate classification (germline): Uncertain significance (1 of 4 stars; one submission).

Conditions:
Combined immunodeficiency due to DOCK8 deficiency (HIES2). Also called: DOCK8 Deficiency; HYPER-IgE RECURRENT INFECTION SYNDROME 2, AUTOSOMAL RECESSIVE; HYPER-IgE SYNDROME 2, AUTOSOMAL RECESSIVE, WITH RECURRENT INFECTIONS; HIES autosomal recessive; Hyper-IgE recurrent infection syndrome, autosomal recessive. Identifiers: Orphanet 217390, MedGen C4722305, MONDO:0009478, OMIM 243700.

Allele frequency attached by ClinVar (database versions not stated): gnomAD exomes below 0.00001; gnomAD 0.00001; TOPMed 0.00001.
gnomAD v4.1: 4 of 1,614,038 alleles (0.00025%); highest among the groups gnomAD compares: African/African-American, 0.0053%; no homozygotes.

Submission:

Labcorp Genetics (formerly Invitae), Labcorp
Classification: Uncertain significance for Combined immunodeficiency due to DOCK8 deficiency. Last evaluated: 2023-07-17. Review status: criteria provided, single submitter. Criteria: Invitae Variant Classification Sherloc (09022015). Collection method: clinical testing. Allele origin: germline.
Comment: In summary, the available evidence is currently insufficient to determine the role of this variant in disease. Therefore, it has been classified as a Variant of Uncertain Significance. Advanced modeling of protein sequence and biophysical properties (such as structural, functional, and spatial information, amino acid conservation, physicochemical variation, residue mobility, and thermodynamic stability) performed at Invitae indicates that this missense variant is not expected to disrupt DOCK8 protein function. ClinVar contains an entry for this variant (Variation ID: 1374965). This variant has not been reported in the literature in individuals affected with DOCK8-related conditions. This variant is not present in population databases (gnomAD no frequency). This sequence change replaces threonine, which is neutral and polar, with isoleucine, which is neutral and non-polar, at codon 538 of the DOCK8 protein (p.Thr538Ile).

NM_203447.4(DOCK8):c.1613C>T (p.Thr538Ile)

Gene: DOCK8 (dedicator of cytokinesis 8; plus strand). Cytogenetic location: 9p24.3.
Variant type: single nucleotide variant.
Coding change: c.1613C>T on transcript NM_203447.4 (MANE Select); coding-DNA position 1613, C replaced by T.
Protein change: p.Thr538Ile; replaces threonine 538 with isoleucine.
Molecular consequence: missense variant.
Genome position (GRCh38, 1-based): chr9:340,255, C>T. VCF-style: chr9-340255-C-T. GRCh37 (hg19) VCF-style: chr9-340255-C-T.
Other names: c.1409C>T, p.Thr470Ile (NM_001190458.2, NM_001193536.2); short protein forms T470I, T538I.
Identifiers: ClinVar variation 1374965 (VCV001374965.6), dbSNP rs946836686, ClinGen allele CA187764943.
Genomic context (GRCh38, chr9:340,255, plus strand): 5'-TCATCAATTGCTGTCTGACTCCTGAAATGCTGCCCGTGAAACCCTTTCCTGAAAACCGGA[C>T]ACGCCCGCACAAAGAGATTTTGGAATTTCCAACACGAGAAGTATATGTCCCTCACACTGT-3'
Protein context (NP_982272.2, residues 528-548): LPVKPFPENR[Thr538Ile]RPHKEILEFP